The following is an entry in ClinVar:

ClinVar aggregate classification (germline): Benign (0 of 4 stars; one submission).

Conditions:
ZFHX3-related disorder. Also called: ZFHX3-related condition.

Allele frequency attached by ClinVar (database versions not stated): ESP Exome Variant Server 0.00369; gnomAD exomes 0.02045; gnomAD 0.03272; TOPMed 0.04846; ExAC 0.06204; 1000 Genomes Project 30x 0.09463; 1000 Genomes Project 0.09485.
gnomAD v4.1: 35,389 of 1,614,070 alleles (2.2%); highest among the groups gnomAD compares: Admixed American, 29%; 4,983 homozygotes.

Submission:

PreventionGenetics, part of Exact Sciences
Classification: Benign for ZFHX3-related condition. Last evaluated: 2019-05-23. Review status: no assertion criteria provided. Collection method: clinical testing. Allele origin: germline.
Comment: This variant is classified as benign based on ACMG/AMP sequence variant interpretation guidelines (Richards et al. 2015 PMID: 25741868, with internal and published modifications).

NM_006885.4(ZFHX3):c.4929C>T (p.Ser1643=)

Genes: ZFHX3 (zinc finger homeobox 3; minus strand), ZFHX3-AS1 (ZFHX3 antisense RNA 1; plus strand). Cytogenetic location: 16q22.2.
Variant type: single nucleotide variant.
Coding change: c.4929C>T on transcript NM_006885.4 (MANE Select); coding-DNA position 4929, C replaced by T.
Protein change: p.Ser1643=; no amino-acid change (serine 1643 retained).
Molecular consequence: synonymous variant.
Genome position (GRCh38, 1-based): chr16:72,797,753, G>A on the plus strand (C>T on the coding strand, the complement: ZFHX3 is on the minus strand). VCF-style: chr16-72797753-G-A. GRCh37 (hg19) VCF-style: chr16-72831652-G-A.
Other names: c.2187C>T, p.Ser729= (NM_001164766.2); c.4929C>T, p.Ser1643= (NM_001386735.1).
Identifiers: ClinVar variation 3060785 (VCV003060785.2), dbSNP rs2229290, ClinGen allele CA8163712.